The following is an entry in ClinVar:

ClinVar aggregate classification (germline): Uncertain significance (1 of 4 stars; one submission).

gnomAD v4.1: 13 of 1,613,840 alleles (0.00081%); highest among the groups gnomAD compares: East Asian, 0.0045%; no homozygotes.

Submission:

Labcorp Genetics (formerly Invitae), Labcorp
Classification: Uncertain significance. Last evaluated: 2021-06-20. Review status: criteria provided, single submitter. Criteria: Invitae Variant Classification Sherloc (09022015). Collection method: clinical testing. Allele origin: germline.
Comment: In summary, the available evidence is currently insufficient to determine the role of this variant in disease. Therefore, it has been classified as a Variant of Uncertain Significance. Algorithms developed to predict the effect of missense changes on protein structure and function output the following: SIFT: "Tolerated"; PolyPhen-2: "Benign"; Align-GVGD: "Class C0". The threonine amino acid residue is found in multiple mammalian species, suggesting that this missense change does not adversely affect protein function. These predictions have not been confirmed by published functional studies and their clinical significance is uncertain. This variant has not been reported in the literature in individuals with CETP-related conditions. This variant is present in population databases (rs779052928, ExAC 0.004%). This sequence change replaces alanine with threonine at codon 87 of the CETP protein (p.Ala87Thr). The alanine residue is moderately conserved and there is a small physicochemical difference between alanine and threonine.

NM_000078.3(CETP):c.259G>A (p.Ala87Thr)

Gene: CETP (cholesteryl ester transfer protein; plus strand). Cytogenetic location: 16q13.
Variant type: single nucleotide variant.
Coding change: c.259G>A on transcript NM_000078.3 (MANE Select); coding-DNA position 259, G replaced by A.
Protein change: p.Ala87Thr; replaces alanine 87 with threonine.
Molecular consequence: missense variant.
Genome position (GRCh38, 1-based): chr16:56,969,411, G>A. VCF-style: chr16-56969411-G-A. GRCh37 (hg19) VCF-style: chr16-57003323-G-A.
Other names: c.259G>A, p.Ala87Thr (NM_001286085.2); short protein forms A87T.
Identifiers: ClinVar variation 1425659 (VCV001425659.8), dbSNP rs779052928, ClinGen allele CA8070856.